The following is an entry in ClinVar:

ClinVar aggregate classification (germline): Uncertain significance (1 of 4 stars; one submission).

Allele frequency attached by ClinVar (database versions not stated): gnomAD exomes below 0.00001; ExAC 0.00001; 1000 Genomes Project 30x 0.00016; 1000 Genomes Project 0.00020.

Submission:

Labcorp Genetics (formerly Invitae), Labcorp
Classification: Uncertain significance. Last evaluated: 2022-08-21. Review status: criteria provided, single submitter. Criteria: Invitae Variant Classification Sherloc (09022015). Collection method: clinical testing. Allele origin: germline.
Comment: In summary, the available evidence is currently insufficient to determine the role of this variant in disease. Therefore, it has been classified as a Variant of Uncertain Significance. Variants that disrupt the consensus splice site are a relatively common cause of aberrant splicing (PMID: 17576681, 9536098). Algorithms developed to predict the effect of sequence changes on RNA splicing suggest that this variant is not likely to affect RNA splicing. This variant has not been reported in the literature in individuals affected with CLCC1-related conditions. This variant is present in population databases (rs191371141, gnomAD 0.007%). This sequence change falls in intron 10 of the CLCC1 gene. It does not directly change the encoded amino acid sequence of the CLCC1 protein. It affects a nucleotide within the consensus splice site.

Literature cited by the submitters: PubMed 17576681; PubMed 9536098.

NM_001377458.1(CLCC1):c.1384-3T>C

Gene: CLCC1 (chloride channel CLIC like 1; minus strand). Cytogenetic location: 1p13.3.
Variant type: single nucleotide variant.
Coding change: c.1384-3T>C on transcript NM_001377458.1 (MANE Select); 3 bases into the intron before coding-DNA position 1384, T replaced by C.
Molecular consequence: intron variant.
Genome position (GRCh38, 1-based): chr1:108,934,945, A>G on the plus strand (T>C on the coding strand, the complement: CLCC1 is on the minus strand). VCF-style: chr1-108934945-A-G. GRCh37 (hg19) VCF-style: chr1-109477567-A-G.
Other names: c.1384-3T>C (NM_001377464.1, NM_001377462.1, NM_001377467.1 and 8 more transcripts); c.1282-3T>C (NM_001377469.1); c.1234-3T>C (NM_015127.5); c.1093-3T>C (NM_001377470.1); c.1021-3T>C (NM_001278202.2); c.829-3T>C (NM_001278203.1).
Identifiers: ClinVar variation 2055914 (VCV002055914.4), dbSNP rs191371141, ClinGen allele CA983336.
Genomic context (GRCh38, chr1:108,934,945, plus strand): 5'-CTTCCCCCAGGATTCCACCTGTCTCCTTGGGCTTTGTATCCAAAACAGGTGATTTATGCT[A>G]TAAAGTACAAAATTACATTTTAACTGTTTAATGTAATGTGAAGTCTTAGTAATCAAACAT-3'